The following is an entry in ClinVar:

NM_001256627.2(BRSK2):c.2056del (p.Ala686fs)

Gene: BRSK2 (BR serine/threonine kinase 2; plus strand). Cytogenetic location: 11p15.5.
Variant type: Deletion.
Coding change: c.2056del on transcript NM_001256627.2 (MANE Select); coding-DNA position 2056, one base deleted (G; older notation c.2056delG).
Protein change: p.Ala686fs; shifts the reading frame from alanine 686.
Molecular consequence: frameshift variant. On other transcripts: intron variant (3).
Genome position (GRCh38, 1-based): chr11:1,460,568, G deleted; the last of 2 consecutive G bases (chr11:1,460,567-1,460,568); deleting either gives the same sequence. VCF-style (leftmost placement, unchanged base first): chr11-1460566-CG-C. GRCh37 (hg19) VCF-style: chr11-1481796-CG-C.
Other names: c.2146del, p.Ala716fs (NM_001256630.1); c.*10-402del (NM_001256629.2, NM_001282218.2); c.1988-402del (NM_003957.4); short protein forms A686fs, A716fs.
Identifiers: ClinVar variation 850540 (VCV000850540.8), dbSNP rs1847344648, ClinGen allele CA916083164.

ClinVar aggregate classification (germline): Uncertain significance (1 of 4 stars; one submission).

Submission:

Labcorp Genetics (formerly Invitae), Labcorp
Classification: Uncertain significance. Last evaluated: 2019-03-19. Review status: criteria provided, single submitter. Criteria: Invitae Variant Classification Sherloc (09022015). Collection method: clinical testing. Allele origin: germline.
Comment: This sequence change results in a frameshift in the BRSK2 gene (p.Ala686Profs*171). While this is not anticipated to result in nonsense mediated decay, it is expected to disrupt the last 51 amino acids of the BRSK2 protein and extend the protein by an additional 120 amino acids. In summary, the available evidence is currently insufficient to determine the role of this variant in disease. Therefore, it has been classified as a Variant of Uncertain Significance. The frequency data for this variant in the population databases is considered unreliable, as metrics indicate insufficient coverage at this position in the ExAC database.